The following is an entry in ClinVar:

NM_000286.3(PEX12):c.790T>C (p.Trp264Arg)

Gene: PEX12 (peroxisomal biogenesis factor 12; minus strand). Cytogenetic location: 17q12.
Variant type: single nucleotide variant.
Coding change: c.790T>C on transcript NM_000286.3 (MANE Select); coding-DNA position 790, T replaced by C.
Protein change: p.Trp264Arg; replaces tryptophan 264 with arginine.
Molecular consequence: missense variant.
Genome position (GRCh38, 1-based): chr17:35,576,072, A>G on the plus strand (T>C on the coding strand, the complement: PEX12 is on the minus strand). VCF-style: chr17-35576072-A-G. GRCh37 (hg19) VCF-style: chr17-33903091-A-G.
Other names: short protein forms W264R.
Identifiers: ClinVar variation 3349182 (VCV003349182.1).

ClinVar aggregate classification (germline): Uncertain significance (0 of 4 stars; one submission).

Conditions:
PEX12-related disorder. Also called: PEX12-related disorders; PEX12-related condition.

Submission:

PreventionGenetics, part of Exact Sciences
Classification: Uncertain significance for PEX12-related condition. Last evaluated: 2024-03-24. Review status: no assertion criteria provided. Collection method: clinical testing. Allele origin: germline.
Comment: The PEX12 c.790T>C variant is predicted to result in the amino acid substitution p.Trp264Arg. To our knowledge, this variant has not been reported in the literature or in a large population database, indicating this variant is rare. At this time, the clinical significance of this variant is uncertain due to the absence of conclusive functional and genetic evidence.